The following is an entry in ClinVar:

ClinVar aggregate classification (germline): Pathogenic/Likely pathogenic. Review status: criteria provided, multiple submitters, no conflicts (2 of 4 stars). 3 submissions from 3 submitters: Pathogenic (1); Likely pathogenic (1). 1 of the submissions does not count toward it. Last evaluated 2024-03-12.

Conditions:
Cockayne syndrome type 1. Also called: Cockayne syndrome type I; Cockayne syndrome classical; Cockayne syndrome classic form. Identifiers: Orphanet 191, Orphanet 90321, MedGen C0751039, MONDO:0019569, OMIM 216400.
UV-sensitive syndrome 2 (UVSS2). Identifiers: Orphanet 178338, MedGen C3553298, MONDO:0013829, OMIM 614621.

Allele frequency attached by ClinVar (database versions not stated): gnomAD exomes below 0.00001 and 0.00001; TOPMed below 0.00001; ExAC 0.00001; ESP Exome Variant Server 0.00015.
gnomAD v4.1: 2 of 1,612,106 alleles (0.00012%); highest among the groups gnomAD compares: Non-Finnish European, 0.00017%; no homozygotes.

Submissions (3):

Labcorp Genetics (formerly Invitae), Labcorp
Classification: Likely pathogenic. Last evaluated: 2024-03-12. Review status: criteria provided, single submitter. Criteria: Invitae Variant Classification Sherloc (09022015). Collection method: clinical testing. Allele origin: germline.
Comment: This sequence change affects an acceptor splice site in intron 10 of the ERCC8 gene. It is expected to disrupt RNA splicing. Variants that disrupt the donor or acceptor splice site typically lead to a loss of protein function (PMID: 16199547), and loss-of-function variants in ERCC8 are known to be pathogenic (PMID: 29572252). This variant is present in population databases (rs372237310, gnomAD 0.002%). This variant has not been reported in the literature in individuals affected with ERCC8-related conditions. ClinVar contains an entry for this variant (Variation ID: 551594). Algorithms developed to predict the effect of sequence changes on RNA splicing suggest that this variant may disrupt the consensus splice site. In summary, the currently available evidence indicates that the variant is pathogenic, but additional data are needed to prove that conclusively. Therefore, this variant has been classified as Likely Pathogenic.

Fulgent Genetics
Classification: Pathogenic for Cockayne syndrome type 1; UV-sensitive syndrome 2. Last evaluated: 2018-10-31. Review status: criteria provided, single submitter. Criteria: ACMG Guidelines, 2015. Collection method: clinical testing. Allele origin: unknown.

Counsyl
Classification: Likely pathogenic for Cockayne syndrome type 1. Last evaluated: 2017-04-19. Review status: no assertion criteria provided. Collection method: clinical testing. Allele origin: unknown. Not counted in ClinVar's aggregate classification.

Literature cited by the submitters: PubMed 16199547 (cited by Labcorp Genetics (formerly Invitae), Labcorp); PubMed 29572252 (cited by Labcorp Genetics (formerly Invitae), Labcorp).

NM_000082.4(ERCC8):c.1042-2A>G

Gene: ERCC8 (ERCC excision repair 8, CSA ubiquitin ligase complex subunit; minus strand). Cytogenetic location: 5q12.1.
Variant type: single nucleotide variant.
Coding change: c.1042-2A>G on transcript NM_000082.4 (MANE Select); the canonical splice acceptor site of the intron before coding-DNA position 1042, A replaced by G.
Molecular consequence: splice acceptor variant.
Genome position (GRCh38, 1-based): chr5:60,887,522, T>C on the plus strand (A>G on the coding strand, the complement: ERCC8 is on the minus strand). VCF-style: chr5-60887522-T-C. GRCh37 (hg19) VCF-style: chr5-60183349-T-C.
Other names: c.583-2A>G (NM_001290285.2); c.868-2A>G (NM_001007233.3).
Identifiers: ClinVar variation 551594 (VCV000551594.11), dbSNP rs372237310, ClinGen allele CA3277639.